The following is an entry in ClinVar:

NM_020738.4(KIDINS220):c.3894A>C (p.Pro1298=)

Gene: KIDINS220 (kinase D interacting substrate 220; minus strand). Cytogenetic location: 2p25.1.
Variant type: single nucleotide variant.
Coding change: c.3894A>C on transcript NM_020738.4 (MANE Select); coding-DNA position 3894, A replaced by C.
Protein change: p.Pro1298=; no amino-acid change (proline 1298 retained).
Molecular consequence: synonymous variant. On other transcripts: non-coding transcript variant (2).
Genome position (GRCh38, 1-based): chr2:8,733,603, T>G on the plus strand (A>C on the coding strand, the complement: KIDINS220 is on the minus strand). VCF-style: chr2-8733603-T-G. GRCh37 (hg19) VCF-style: chr2-8873733-T-G.
Other names: c.3897A>C, p.Pro1299= (NM_001348729.2); c.3840A>C, p.Pro1280= (NM_001348731.2); c.3837A>C, p.Pro1279= (NM_001348732.2, NM_001348738.2); c.3726A>C, p.Pro1242= (NM_001348734.2, NM_001348739.2, NM_001348740.2); c.3723A>C, p.Pro1241= (NM_001348735.2, NM_001348741.2, NM_001348742.2 and 1 more transcripts); c.3597A>C, p.Pro1199= (NM_001348736.2).
Identifiers: ClinVar variation 4983525 (VCV004983525.1).

ClinVar aggregate classification (germline): Likely benign (1 of 4 stars; one submission).

Conditions:
KIDINS220-related disorder. Also called: KIDINS220-related condition.

Submission:

PreventionGenetics, part of Exact Sciences
Classification: Likely benign for KIDINS220-related condition. Last evaluated: 2025-07-02. Review status: criteria provided, single submitter. Criteria: ACMG Guidelines, 2015. Collection method: clinical testing. Allele origin: germline.
Comment: This variant is classified as likely benign based on ACMG/AMP sequence variant interpretation guidelines (Richards et al. 2015 PMID: 25741868, with internal and published modifications).